The following is an entry in ClinVar:

NM_032492.4(JAGN1):c.130C>T (p.His44Tyr)

Gene: JAGN1 (jagunal vesicle mediated transporter 1; plus strand). Cytogenetic location: 3p25.3.
Variant type: single nucleotide variant.
Coding change: c.130C>T on transcript NM_032492.4 (MANE Select); coding-DNA position 130, C replaced by T.
Protein change: p.His44Tyr; replaces histidine 44 with tyrosine.
Molecular consequence: missense variant. On other transcripts: 5 prime UTR variant (1).
Genome position (GRCh38, 1-based): chr3:9,892,955, C>T. VCF-style: chr3-9892955-C-T. GRCh37 (hg19) VCF-style: chr3-9934639-C-T.
Other names: c.130C>T, p.His44Tyr (LRG_1228t1); c.-33C>T (NM_001363890.1); short protein forms H44Y.
Identifiers: ClinVar variation 156114 (VCV000156114.49), dbSNP rs587777728, ClinGen allele CA170768.

ClinVar aggregate classification (germline): Conflicting classifications of pathogenicity. Review status: criteria provided, conflicting classifications (1 of 4 stars). 4 submissions from 4 submitters: Pathogenic (2); Uncertain significance (1). 1 of the submissions does not count toward it. Last evaluated 2022-04-16.

Conditions:
Severe congenital neutropenia (SCN). Identifiers: Orphanet 42738, MedGen C1853118, MONDO:0018542.
Autosomal recessive severe congenital neutropenia due to JAGN1 deficiency. Also called: Severe congenital neutropenia 6, autosomal recessive. Identifiers: Orphanet 423384, MedGen C4014954, MONDO:0014456, OMIM 616022.

Submissions (4):

Labcorp Genetics (formerly Invitae), Labcorp
Classification: Uncertain significance for Autosomal recessive severe congenital neutropenia due to JAGN1 deficiency. Last evaluated: 2022-04-16. Review status: criteria provided, single submitter. Criteria: Invitae Variant Classification Sherloc (09022015). Collection method: clinical testing. Allele origin: germline.
Comment: This sequence change replaces histidine, which is basic and polar, with tyrosine, which is neutral and polar, at codon 44 of the JAGN1 protein (p.His44Tyr). This variant is not present in population databases (gnomAD no frequency). This missense change has been observed in individual(s) with severe congenital neutropenia (PMID: 25851723, 32419428). It has also been observed to segregate with disease in related individuals. ClinVar contains an entry for this variant (Variation ID: 156114). Algorithms developed to predict the effect of missense changes on protein structure and function are either unavailable or do not agree on the potential impact of this missense change (SIFT: "Deleterious"; PolyPhen-2: "Benign"; Align-GVGD: "Class C0"). In summary, the available evidence is currently insufficient to determine the role of this variant in disease. Therefore, it has been classified as a Variant of Uncertain Significance.

CeGaT Center for Human Genetics Tuebingen
Classification: Pathogenic. Last evaluated: 2019-06-01. Review status: criteria provided, single submitter. Criteria: CeGaT Center For Human Genetics Tuebingen Variant Classification Criteria Version 2. Collection method: clinical testing. Allele origin: germline. Affected: yes. Observed: 1 variant allele.

Klein lab, Ludwig-Maximilians-University
Classification: Pathogenic for Severe congenital neutropenia. Last evaluated: 2013-01-01. Review status: criteria provided, single submitter. Criteria: Submitter's publication. Collection method: in vitro. Allele origin: germline. Inheritance: Autosomal recessive inheritance. Affected: yes. Observed: 2 variant alleles, 2 homozygotes.
Comment: Neutropenia patients with mutations in JAGN1 respond poorly to treatment with recombinant human G-CSF

OMIM
Classification: Pathogenic for NEUTROPENIA, SEVERE CONGENITAL, 6, AUTOSOMAL RECESSIVE. Last evaluated: 2014-09-01. Review status: no assertion criteria provided. Collection method: literature only. Allele origin: germline. Not counted in ClinVar's aggregate classification.

Literature cited by the submitters: PubMed 25851723 (cited by Labcorp Genetics (formerly Invitae), Labcorp); PubMed 32419428 (cited by Labcorp Genetics (formerly Invitae), Labcorp); PubMed 25129144 (cited by OMIM).